The following is an entry in ClinVar:

ClinVar aggregate classification (germline): Uncertain significance (1 of 4 stars; one submission).

Submission:

GeneDx
Classification: Uncertain significance. Last evaluated: 2025-07-03. Review status: criteria provided, single submitter. Criteria: GeneDx Variant Classification Process June 2021. Collection method: clinical testing. Allele origin: germline. Affected: yes.
Comment: Not observed at significant frequency in large population cohorts (gnomAD); In silico analysis suggests that this missense variant does not alter protein structure/function; Has not been previously published as pathogenic or benign to our knowledge

NM_001379403.1(WDR26):c.511A>G (p.Ser171Gly)

Gene: WDR26 (WD repeat domain 26; minus strand). Cytogenetic location: 1q42.12.
Variant type: single nucleotide variant.
Coding change: c.511A>G on transcript NM_001379403.1 (MANE Select); coding-DNA position 511, A replaced by G.
Protein change: p.Ser171Gly; replaces serine 171 with glycine.
Molecular consequence: missense variant.
Genome position (GRCh38, 1-based): chr1:224,433,895, T>C on the plus strand (A>G on the coding strand, the complement: WDR26 is on the minus strand). VCF-style: chr1-224433895-T-C. GRCh37 (hg19) VCF-style: chr1-224621597-T-C.
Other names: c.211A>G, p.Ser71Gly (NM_001115113.3, NM_025160.7); short protein forms S171G, S71G.
Identifiers: ClinVar variation 4681017 (VCV004681017.1).
Genomic context (GRCh38, chr1:224,433,895, plus strand): 5'-TGGCTGAGGATGCGGCGGCCGCCCCGCCGGGAACCCCGTTATTGACATTCAGGCTGTTGC[T>C]ATTGTTGCTGGCGGCGGAGGGGGCGGAAGGCAGGAGCCCATTGGCGTGGGCCAGGTCCCC-3'
Protein context (NP_001366332.1, residues 161-181): PSAPSAASNN[Ser171Gly]NSLNVNNGVP